The following is an entry in ClinVar:

NM_001374828.1(ARID1B):c.4382G>T (p.Arg1461Met)

Gene: ARID1B (AT-rich interaction domain 1B; plus strand). Cytogenetic location: 6q25.3.
Variant type: single nucleotide variant.
Coding change: c.4382G>T on transcript NM_001374828.1 (MANE Select); coding-DNA position 4382, G replaced by T.
Protein change: p.Arg1461Met; replaces arginine 1461 with methionine.
Molecular consequence: missense variant.
Genome position (GRCh38, 1-based): chr6:157,196,315, G>T. VCF-style: chr6-157196315-G-T. GRCh37 (hg19) VCF-style: chr6-157517449-G-T.
Other names: c.1883G>T, p.Arg628Met (NM_001363725.2); c.4262G>T, p.Arg1421Met (NM_001371656.1, NM_001374820.1); c.4223G>T, p.Arg1408Met (NM_017519.3); c.4013G>T (NM_020732.3); short protein forms R1408M, R1421M, R1461M, R628M.
Identifiers: ClinVar variation 3372297 (VCV003372297.1).

ClinVar aggregate classification (germline): Uncertain significance (1 of 4 stars; one submission).

Submission:

GeneDx
Classification: Uncertain significance. Last evaluated: 2024-04-29. Review status: criteria provided, single submitter. Criteria: GeneDx Variant Classification Process June 2021. Collection method: clinical testing. Allele origin: germline. Affected: yes.
Comment: Not observed at significant frequency in large population cohorts (gnomAD); In silico analysis supports that this missense variant has a deleterious effect on protein structure/function; Has not been previously published as pathogenic or benign to our knowledge; This variant is associated with the following publications: (PMID: 27535533)